The following is an entry in ClinVar:

NM_020822.3(KCNT1):c.2523-99C>A

Gene: KCNT1 (potassium sodium-activated channel subfamily T member 1; plus strand). Cytogenetic location: 9q34.3.
Variant type: single nucleotide variant.
Coding change: c.2523-99C>A on transcript NM_020822.3 (MANE Select); 99 bases into the intron before coding-DNA position 2523, C replaced by A.
Molecular consequence: intron variant.
Genome position (GRCh38, 1-based): chr9:135,778,325, C>A. VCF-style: chr9-135778325-C-A. GRCh37 (hg19) VCF-style: chr9-138670171-C-A.
Other names: c.2388-99C>A (NM_001272003.2).
Identifiers: ClinVar variation 677432 (VCV000677432.2), dbSNP rs146087255, ClinGen allele CA201480649.

ClinVar aggregate classification (germline): Likely benign. Review status: criteria provided, multiple submitters, no conflicts (2 of 4 stars). 2 submissions from 2 submitters: Likely benign (2). Last evaluated 2018-06-19.

Allele frequency attached by ClinVar (database versions not stated): gnomAD exomes 0.00060; gnomAD 0.00530 and 0.00575; 1000 Genomes Project 30x 0.00531; 1000 Genomes Project 0.00539; TOPMed 0.00623.
gnomAD v4.1: 1,407 of 1,109,282 alleles (0.13%); highest among the groups gnomAD compares: African/African-American, 1.8%; 13 homozygotes.

Submissions (2):

GeneDx
Classification: Likely benign. Last evaluated: 2018-06-19. Review status: criteria provided, single submitter. Criteria: GeneDx Variant Classification (06012015). Collection method: clinical testing. Allele origin: germline. Affected: yes.
Comment: This variant is considered likely benign or benign based on one or more of the following criteria: it is a conservative change, it occurs at a poorly conserved position in the protein, it is predicted to be benign by multiple in silico algorithms, and/or has population frequency not consistent with disease.

Breakthrough Genomics
Classification: Likely benign. Review status: criteria provided, single submitter. Criteria: ACMG Guidelines, 2015. Collection method: not provided. Allele origin: germline. Inheritance: Autosomal dominant inheritance. Affected: yes.